The following is an entry in ClinVar:

ClinVar aggregate classification (germline): Uncertain significance. Review status: criteria provided, multiple submitters, no conflicts (2 of 4 stars). 2 submissions from 2 submitters: Uncertain significance (2). Last evaluated 2026-01-25.

Conditions:
Aicardi-Goutieres syndrome 7 (AGS7). Identifiers: Orphanet 51, MedGen C3888244, MONDO:0014367, OMIM 615846.
Singleton-Merten syndrome 1 (SGMRT1). Also called: Widened medullary cavities of bone, aortic calcification, abnormal dentition, and muscular weakness; Syndrome of widened medullary cavities of the metacarpals and phalanges, aortic calcification and abnormal dentition. Identifiers: Orphanet 85191, MedGen C4225427, MONDO:0024535, OMIM 182250.

Allele frequency attached by ClinVar (database versions not stated): gnomAD 0.00004 and 0.00003; TOPMed 0.00005; 1000 Genomes Project 30x 0.00016.
gnomAD v4.1: 52 of 1,609,758 alleles (0.0032%); highest among the groups gnomAD compares: East Asian, 0.013%; no homozygotes.

Submissions (2):

Labcorp Genetics (formerly Invitae), Labcorp
Classification: Uncertain significance for Aicardi-Goutieres syndrome 7; Singleton-Merten syndrome 1. Last evaluated: 2026-01-25. Review status: criteria provided, single submitter. Criteria: Invitae Variant Classification Sherloc (09022015). Collection method: clinical testing. Allele origin: germline.
Comment: This sequence change replaces alanine, which is neutral and non-polar, with valine, which is neutral and non-polar, at codon 622 of the IFIH1 protein (p.Ala622Val). This variant is present in population databases (rs186942719, gnomAD 0.01%). This variant has not been reported in the literature in individuals affected with IFIH1-related conditions. This missense change has been observed in at least one individual who was not affected with IFIH1-related conditions (internal data). ClinVar contains an entry for this variant (Variation ID: 651855). Invitae Evidence Modeling of protein sequence and biophysical properties (such as structural, functional, and spatial information, amino acid conservation, physicochemical variation, residue mobility, and thermodynamic stability) has been performed for this missense variant. However, the output from this modeling did not meet the statistical confidence thresholds required to predict the impact of this variant on IFIH1 protein function. In summary, the available evidence is currently insufficient to determine the role of this variant in disease. Therefore, it has been classified as a Variant of Uncertain Significance.

ARUP Laboratories, Molecular Genetics and Genomics, ARUP Laboratories
Classification: Uncertain significance. Last evaluated: 2020-01-05. Review status: criteria provided, single submitter. Criteria: ARUP Molecular Germline Variant Investigation Process. Collection method: clinical testing. Allele origin: germline.

NM_022168.4(IFIH1):c.1865C>T (p.Ala622Val)

Gene: IFIH1 (interferon induced with helicase C domain 1; minus strand). Cytogenetic location: 2q24.2.
Variant type: single nucleotide variant.
Coding change: c.1865C>T on transcript NM_022168.4 (MANE Select); coding-DNA position 1865, C replaced by T.
Protein change: p.Ala622Val; replaces alanine 622 with valine.
Molecular consequence: missense variant.
Genome position (GRCh38, 1-based): chr2:162,277,594, G>A on the plus strand (C>T on the coding strand, the complement: IFIH1 is on the minus strand). VCF-style: chr2-162277594-G-A. GRCh37 (hg19) VCF-style: chr2-163134104-G-A.
Other names: c.1865C>T, p.Ala622Val (LRG_1235t1); short protein forms A622V.
Identifiers: ClinVar variation 651855 (VCV000651855.17), dbSNP rs186942719, ClinGen allele CA1934367.